The following is an entry in ClinVar:

ClinVar aggregate classification (germline): Uncertain significance (1 of 4 stars; one submission).

Conditions:
Neuronal ceroid lipofuscinosis. Also called: Neuronal Ceroid Lipofuscinoses. Identifiers: Orphanet 216, Orphanet 79263, MedGen C0027877, MONDO:0016295. Disease mechanism: loss of function.

Allele frequency attached by ClinVar (database versions not stated): gnomAD exomes below 0.00001; TOPMed below 0.00001.
gnomAD v4.1: 2 of 1,613,934 alleles (0.00012%); highest among the groups gnomAD compares: Admixed American, 0.0017%; no homozygotes.

Submission:

Labcorp Genetics (formerly Invitae), Labcorp
Classification: Uncertain significance for Neuronal ceroid lipofuscinosis. Last evaluated: 2023-08-17. Review status: criteria provided, single submitter. Criteria: Invitae Variant Classification Sherloc (09022015). Collection method: clinical testing. Allele origin: germline.
Comment: In summary, the available evidence is currently insufficient to determine the role of this variant in disease. Therefore, it has been classified as a Variant of Uncertain Significance. Advanced modeling of protein sequence and biophysical properties (such as structural, functional, and spatial information, amino acid conservation, physicochemical variation, residue mobility, and thermodynamic stability) performed at Invitae indicates that this missense variant is not expected to disrupt CTSD protein function. This sequence change replaces asparagine, which is neutral and polar, with aspartic acid, which is acidic and polar, at codon 124 of the CTSD protein (p.Asn124Asp). This variant is not present in population databases (gnomAD no frequency). This variant has not been reported in the literature in individuals affected with CTSD-related conditions. ClinVar contains an entry for this variant (Variation ID: 665735).

NM_001909.5(CTSD):c.370A>G (p.Asn124Asp)

Gene: CTSD (cathepsin D; minus strand). Cytogenetic location: 11p15.5.
Variant type: single nucleotide variant.
Coding change: c.370A>G on transcript NM_001909.5 (MANE Select); coding-DNA position 370, A replaced by G.
Protein change: p.Asn124Asp; replaces asparagine 124 with aspartic acid.
Molecular consequence: missense variant.
Genome position (GRCh38, 1-based): chr11:1,759,070, T>C on the plus strand (A>G on the coding strand, the complement: CTSD is on the minus strand). VCF-style: chr11-1759070-T-C. GRCh37 (hg19) VCF-style: chr11-1780300-T-C.
Other names: short protein forms N124D.
Identifiers: ClinVar variation 665735 (VCV000665735.6), dbSNP rs1590907227, ClinGen allele CA379097679.